The following is an entry in ClinVar:

ClinVar aggregate classification (germline): Pathogenic (1 of 4 stars; one submission).

Conditions:
Cardiovascular phenotype. Identifiers: MedGen CN230736.

Submission:

Ambry Genetics
Classification: Pathogenic for Cardiovascular phenotype. Last evaluated: 2026-08-17. Review status: criteria provided, single submitter. Criteria: Ambry Variant Classification Scheme 2023. Collection method: clinical testing. Allele origin: germline.
Comment: The c.549_562del14 (p.C184Ifs*34) alteration, located in exon 4 (coding exon 4) of the EPHB4 gene, consists of a deletion of 14 nucleotides from position 549 to 562, causing a translational frameshift with a predicted alternate stop codon after 34 amino acids. This variant is expected to result in loss of function by premature protein truncation or nonsense-mediated mRNA decay. This variant was not reported in population-based cohorts in the Genome Aggregation Database (gnomAD). Based on the available evidence, this alteration is classified as pathogenic.

NM_004444.5(EPHB4):c.549_562del (p.Cys184fs)

Gene: EPHB4 (EPH receptor B4; minus strand). Cytogenetic location: 7q22.1.
Variant type: Deletion.
Coding change: c.549_562del on transcript NM_004444.5 (MANE Select); coding-DNA positions 549 to 562, 14 bases deleted (CTGCATGGCCCTGC).
Protein change: p.Cys184fs; shifts the reading frame from cysteine 184.
Molecular consequence: frameshift variant.
Genome position (GRCh38, 1-based): chr7:100,822,517-100,822,530, GCAGGGCCATGCAG deleted on the plus strand (CTGCATGGCCCTGC on the coding strand, the reverse complement: EPHB4 is on the minus strand); deleting any 14 consecutive bases within chr7:100,822,517-100,822,533 gives the same sequence; the c. name uses the placement nearest the transcript's 3' end. VCF-style (leftmost placement, unchanged base first): chr7-100822516-AGCAGGGCCATGCAG-A. GRCh37 (hg19) VCF-style: chr7-100420138-AGCAGGGCCATGCAG-A.
Other names: short protein forms C184fs.
Identifiers: ClinVar variation 5036061 (VCV005036061.1).